The following is an entry in ClinVar:

ClinVar aggregate classification (germline): Likely pathogenic (1 of 4 stars; one submission).

Conditions:
3M syndrome 2. Also called: 3-M Syndrome, OBSL1-Related; THREE M SYNDROME 2. Identifiers: Orphanet 2616, MedGen C2752041, MONDO:0013039, OMIM 612921.

Submission:

First Genomix Gene Laboratory, Genetic Diagnostics Department
Classification: Likely pathogenic for 3M syndrome 2. Last evaluated: 2025-06-30. Review status: criteria provided, single submitter. Criteria: ACMG Guidelines, 2015. Collection method: clinical testing. Allele origin: germline. Inheritance: Autosomal recessive inheritance. Affected: no.

NM_015311.3(OBSL1):c.27del (p.Ser10fs)

Gene: OBSL1 (obscurin like cytoskeletal adaptor 1; minus strand). Cytogenetic location: 2q35.
Variant type: Deletion.
Coding change: c.27del on transcript NM_015311.3 (MANE Select); coding-DNA position 27, one base deleted (G; older notation c.27delG).
Protein change: p.Ser10fs; shifts the reading frame from serine 10.
Molecular consequence: frameshift variant.
Genome position (GRCh38, 1-based): chr2:219,571,206, C deleted on the plus strand (G on the coding strand, the reverse complement: OBSL1 is on the minus strand); the first of 4 consecutive C bases (chr2:219,571,206-219,571,209); deleting any one gives the same sequence. VCF-style (leftmost placement, unchanged base first): chr2-219571205-TC-T. GRCh37 (hg19) VCF-style: chr2-220435927-TC-T.
Other names: c.27del, p.Ser10fs (NM_001173408.2, NM_001173431.2); c.27delG (NM_015311.3); short protein forms S10fs.
Identifiers: ClinVar variation 4849465 (VCV004849465.1).